The following is an entry in ClinVar:

NM_014714.4(IFT140):c.1995C>T (p.Ala665=)

Gene: IFT140 (intraflagellar transport 140; minus strand). Cytogenetic location: 16p13.3.
Variant type: single nucleotide variant.
Coding change: c.1995C>T on transcript NM_014714.4 (MANE Select); coding-DNA position 1995, C replaced by T.
Protein change: p.Ala665=; no amino-acid change (alanine 665 retained).
Molecular consequence: synonymous variant.
Genome position (GRCh38, 1-based): chr16:1,564,069, G>A on the plus strand (C>T on the coding strand, the complement: IFT140 is on the minus strand). VCF-style: chr16-1564069-G-A. GRCh37 (hg19) VCF-style: chr16-1614070-G-A.
Other names: c.1995C>T (NM_014714.3).
Identifiers: ClinVar variation 1134988 (VCV001134988.12), dbSNP rs200653061, ClinGen allele CA7814055.

ClinVar aggregate classification (germline): Likely benign. Review status: criteria provided, multiple submitters, no conflicts (2 of 4 stars). 4 submissions from 4 submitters: Likely benign (4). Last evaluated 2025-12-19.

Conditions:
Saldino-Mainzer syndrome (SRTD9). Also called: CONORENAL SYNDROME; SHORT-RIB THORACIC DYSPLASIA 9 WITHOUT POLYDACTYLY; short-rib thoracic dysplasia 9 with or without polydactyly; Renal dysplasia, retinal pigmentary dystrophy, cerebellar ataxia and skeletal dysplasia. Identifiers: Orphanet 140969, MedGen C1849437, MONDO:0009964, OMIM 266920.
Retinitis pigmentosa 80 (RP80). Identifiers: MedGen C4540439, MONDO:0054708, OMIM 617781.
IFT140-related disorder. Also called: IFT140-related condition.

Allele frequency attached by ClinVar (database versions not stated): TOPMed 0.00005; ESP Exome Variant Server 0.00008; gnomAD 0.00009 and 0.00012; 1000 Genomes Project 30x 0.00078; 1000 Genomes Project 0.00080.
gnomAD v4.1: 74 of 1,604,526 alleles (0.0046%); highest among the groups gnomAD compares: South Asian, 0.03%; no homozygotes.

Submissions (4):

Labcorp Genetics (formerly Invitae), Labcorp
Classification: Likely benign for Saldino-Mainzer syndrome. Last evaluated: 2025-12-19. Review status: criteria provided, single submitter. Criteria: Invitae Variant Classification Sherloc (09022015). Collection method: clinical testing. Allele origin: germline.

PreventionGenetics, part of Exact Sciences
Classification: Likely benign for IFT140-related condition. Last evaluated: 2025-11-16. Review status: criteria provided, single submitter. Criteria: ACMG Guidelines, 2015. Collection method: clinical testing. Allele origin: germline.
Comment: This variant is classified as likely benign based on ACMG/AMP sequence variant interpretation guidelines (Richards et al. 2015 PMID: 25741868, with internal and published modifications).

Blueprint Genetics
Classification: Likely benign. Last evaluated: 2024-11-25. Review status: criteria provided, single submitter. Criteria: ACMG Guidelines, 2015. Collection method: clinical testing. Allele origin: germline.

Fulgent Genetics
Classification: Likely benign for Saldino-Mainzer syndrome; Retinitis pigmentosa 80. Last evaluated: 2021-11-16. Review status: criteria provided, single submitter. Criteria: ACMG Guidelines, 2015. Collection method: clinical testing. Allele origin: unknown.